The following is an entry in ClinVar:

ClinVar aggregate classification (germline): Pathogenic (1 of 4 stars; one submission).

Submission:

Labcorp Genetics (formerly Invitae), Labcorp
Classification: Pathogenic. Last evaluated: 2025-05-26. Review status: criteria provided, single submitter. Criteria: Invitae Variant Classification Sherloc (09022015). Collection method: clinical testing. Allele origin: germline.
Comment: This sequence change creates a premature translational stop signal (p.Gly1508Cysfs*49) in the ABCA4 gene. It is expected to result in an absent or disrupted protein product. Loss-of-function variants in ABCA4 are known to be pathogenic (PMID: 10958761, 24938718, 25312043, 26780318). This variant is not present in population databases (gnomAD no frequency). This variant has not been reported in the literature in individuals affected with ABCA4-related conditions. ClinVar contains an entry for this variant (Variation ID: 1376338). For these reasons, this variant has been classified as Pathogenic.

Literature cited by the submitters: PubMed 10958761; PubMed 24938718; PubMed 25312043; PubMed 26780318.

NM_000350.3(ABCA4):c.4515_4521dup (p.Gly1508fs)

Gene: ABCA4 (ATP binding cassette subfamily A member 4; minus strand). Cytogenetic location: 1p22.1.
Variant type: Duplication.
Coding change: c.4515_4521dup on transcript NM_000350.3 (MANE Select); coding-DNA positions 4515 to 4521, 7 bases duplicated (TGCCGGG; older notation c.4515_4521dupTGCCGGG).
Protein change: p.Gly1508fs; shifts the reading frame from glycine 1508.
Molecular consequence: frameshift variant.
Genome position (GRCh38, 1-based): chr1:94,029,463-94,029,469, CCCGGCA duplicated on the plus strand (TGCCGGG on the coding strand, the reverse complement: ABCA4 is on the minus strand); duplicating any 7 consecutive bases within chr1:94,029,463-94,029,472 gives the same sequence; the c. name uses the placement nearest the transcript's 3' end. VCF-style (leftmost placement, unchanged base first): chr1-94029462-C-CCCCGGCA. GRCh37 (hg19) VCF-style: chr1-94495018-C-CCCCGGCA.
Other names: c.4290_4296dup, p.Gly1434Cysfs (NM_001425324.1); short protein forms G1508fs.
Identifiers: ClinVar variation 1376338 (VCV001376338.6), dbSNP rs2101033438, ClinGen allele CA2573131927.